The following is an entry in ClinVar:

ClinVar aggregate classification (germline): Pathogenic. Review status: criteria provided, multiple submitters, no conflicts (2 of 4 stars). 2 submissions from 2 submitters: Pathogenic (2). Last evaluated 2022-01-01.

Conditions:
Charlevoix-Saguenay spastic ataxia (SACS). Also called: SPASTIC ATAXIA 6, AUTOSOMAL RECESSIVE; AUTOSOMAL RECESSIVE SPASTIC ATAXIA OF CHARLEVOIX-SAGUENAY; Spastic ataxia of Charlevoix-Saguenay. Identifiers: Orphanet 98, MedGen C1849140, MONDO:0010041, OMIM 270550.

Submissions (2):

PROSPAX: an integrated multimodal progression  chart in spastic ataxias, Center for Neurology; Hertie-Institute for Clinical Brain Research
Classification: Pathogenic for Charlevoix-Saguenay spastic ataxia. Last evaluated: 2022-01-01. Review status: criteria provided, single submitter. Criteria: ACMG Guidelines, 2015. Collection method: research. Allele origin: germline. Affected: yes.
Comment: Variant seen in compound het: [c.10611A>G;c.8227del;c.4718T>G]

Paris Brain Institute, Inserm - ICM
Classification: Pathogenic for Charlevoix-Saguenay spastic ataxia. Review status: criteria provided, single submitter. Criteria: ACMG Guidelines, 2015. Collection method: clinical testing. Allele origin: unknown. Affected: yes. Observed: 1 variant allele.

NM_014363.6(SACS):c.8227del (p.His2743fs)

Gene: SACS (sacsin molecular chaperone; minus strand). Cytogenetic location: 13q12.12.
Variant type: Deletion.
Coding change: c.8227del on transcript NM_014363.6 (MANE Select); coding-DNA position 8227, one base deleted (C; older notation c.8227delC).
Protein change: p.His2743fs; shifts the reading frame from histidine 2743.
Molecular consequence: frameshift variant.
Genome position (GRCh38, 1-based): chr13:23,335,649, G deleted on the plus strand (C on the coding strand, the reverse complement: SACS is on the minus strand). VCF-style (leftmost placement, unchanged base first): chr13-23335648-TG-T. GRCh37 (hg19) VCF-style: chr13-23909787-TG-T.
Other names: c.7786del, p.His2596fs (NM_001278055.2); c.8227del (NM_014363.5); short protein forms H2596fs, H2743fs.
Identifiers: ClinVar variation 989213 (VCV000989213.2), dbSNP rs2137593965, ClinGen allele CA2499221978.